The following is an entry in ClinVar:

NM_001197224.4(BEAN1):c.*225G>A

Gene: BEAN1 (brain expressed associated with NEDD4 1; plus strand). Cytogenetic location: 16q21.
Variant type: single nucleotide variant.
Coding change: c.*225G>A on transcript NM_001197224.4; 225 bases downstream of the stop codon, G replaced by A.
Molecular consequence: 3 prime UTR variant.
Genome position (GRCh38, 1-based): chr16:66,493,290, G>A. VCF-style: chr16-66493290-G-A. GRCh37 (hg19) VCF-style: chr16-66527193-G-A.
Other names: NM_001197225.3:c.476G>A.
Identifiers: ClinVar variation 3047424 (VCV003047424.3), dbSNP rs146861397, ClinGen allele CA8093534.

ClinVar aggregate classification (germline): Likely benign. Review status: criteria provided, single submitter (1 of 4 stars). 2 submissions from 2 submitters: Likely benign (1). 1 of the submissions does not count toward it. Last evaluated 2024-11-15.

Conditions:
BEAN1-related disorder. Also called: BEAN1-related condition.

Allele frequency attached by ClinVar (database versions not stated): 1000 Genomes Project 30x 0.00031; 1000 Genomes Project 0.00040; ExAC 0.00064; TOPMed 0.00037; gnomAD 0.00023.
gnomAD v4.1: 251 of 702,302 alleles (0.036%); highest among the groups gnomAD compares: Admixed American, 0.12%; no homozygotes.

Submissions (2):

Blueprint Genetics
Classification: Likely benign. Last evaluated: 2024-11-15. Review status: criteria provided, single submitter. Criteria: ACMG Guidelines, 2015. Collection method: clinical testing. Allele origin: germline.

PreventionGenetics, part of Exact Sciences
Classification: Likely benign for BEAN1-related condition. Last evaluated: 2020-06-15. Review status: no assertion criteria provided. Collection method: clinical testing. Allele origin: germline. Not counted in ClinVar's aggregate classification.
Comment: This variant is classified as likely benign based on ACMG/AMP sequence variant interpretation guidelines (Richards et al. 2015 PMID: 25741868, with internal and published modifications).